The following is an entry in ClinVar:

ClinVar aggregate classification (germline): Uncertain significance (1 of 4 stars; one submission).

Conditions:
Primary ciliary dyskinesia. Also called: Ciliary dyskinesia. Identifiers: Orphanet 244, MedGen C0008780, MONDO:0016575, HP:0012265.

Allele frequency attached by ClinVar (database versions not stated): gnomAD exomes below 0.00001.
gnomAD v4.1: 2 of 1,210,440 alleles (0.00017%); highest among the groups gnomAD compares: Non-Finnish European, 0.00022%; no homozygotes.

Submission:

Labcorp Genetics (formerly Invitae), Labcorp
Classification: Uncertain significance for Primary ciliary dyskinesia. Last evaluated: 2024-01-29. Review status: criteria provided, single submitter. Criteria: Invitae Variant Classification Sherloc (09022015). Collection method: clinical testing. Allele origin: germline.
Comment: This sequence change replaces asparagine, which is neutral and polar, with aspartic acid, which is acidic and polar, at codon 226 of the RPGR protein (p.Asn226Asp). This variant is not present in population databases (gnomAD no frequency). This variant has not been reported in the literature in individuals affected with RPGR-related conditions. ClinVar contains an entry for this variant (Variation ID: 2024110). Advanced modeling of protein sequence and biophysical properties (such as structural, functional, and spatial information, amino acid conservation, physicochemical variation, residue mobility, and thermodynamic stability) performed at Invitae indicates that this missense variant is not expected to disrupt RPGR protein function with a negative predictive value of 95%. In summary, the available evidence is currently insufficient to determine the role of this variant in disease. Therefore, it has been classified as a Variant of Uncertain Significance.

NM_001034853.2(RPGR):c.676A>G (p.Asn226Asp)

Gene: RPGR (retinitis pigmentosa GTPase regulator; minus strand). Cytogenetic location: Xp11.4.
Variant type: single nucleotide variant.
Coding change: c.676A>G on transcript NM_001034853.2 (MANE Select); coding-DNA position 676, A replaced by G.
Protein change: p.Asn226Asp; replaces asparagine 226 with aspartic acid.
Molecular consequence: missense variant. On other transcripts: non-coding transcript variant (6).
Genome position (GRCh38, 1-based): chrX:38,310,717, T>C on the plus strand (A>G on the coding strand, the complement: RPGR is on the minus strand). VCF-style: chrX-38310717-T-C. GRCh37 (hg19) VCF-style: chrX-38169970-T-C.
Other names: c.676A>G, p.Asn226Asp (NM_000328.3, NM_001367246.1, NM_001367247.1 and 1 more transcripts); c.673A>G, p.Asn225Asp (NM_001367245.1, NM_001367249.1, NM_001367250.1); c.706A>G, p.Asn236Asp (NM_001367248.1); short protein forms N226D, N225D, N236D.
Identifiers: ClinVar variation 2024110 (VCV002024110.4), dbSNP rs2519866284, ClinGen allele CA412742886.